The following is an entry in ClinVar:

NM_032447.5(FBN3):c.5089C>T (p.Pro1697Ser)

Gene: FBN3 (fibrillin 3; minus strand). Cytogenetic location: 19p13.2.
Variant type: single nucleotide variant.
Coding change: c.5089C>T on transcript NM_032447.5 (MANE Select); coding-DNA position 5089, C replaced by T.
Protein change: p.Pro1697Ser; replaces proline 1697 with serine.
Molecular consequence: missense variant.
Genome position (GRCh38, 1-based): chr19:8,102,724, G>A on the plus strand (C>T on the coding strand, the complement: FBN3 is on the minus strand). VCF-style: chr19-8102724-G-A. GRCh37 (hg19) VCF-style: chr19-8167608-G-A.
Other names: c.5089C>T, p.Pro1697Ser (NM_001321431.2); short protein forms P1697S.
Identifiers: ClinVar variation 1502143 (VCV001502143.6), dbSNP rs753334464, ClinGen allele CA9151822.

ClinVar aggregate classification (germline): Uncertain significance (1 of 4 stars; one submission).

Allele frequency attached by ClinVar (database versions not stated): gnomAD 0.00001; gnomAD exomes 0.00001; TOPMed 0.00001; ExAC 0.00001.
gnomAD v4.1: 9 of 1,611,834 alleles (0.00056%); highest among the groups gnomAD compares: Admixed American, 0.0017%; no homozygotes.

Submission:

Labcorp Genetics (formerly Invitae), Labcorp
Classification: Uncertain significance. Last evaluated: 2025-08-18. Review status: criteria provided, single submitter. Criteria: Invitae Variant Classification Sherloc (09022015). Collection method: clinical testing. Allele origin: germline.
Comment: This sequence change replaces proline, which is neutral and non-polar, with serine, which is neutral and polar, at codon 1697 of the FBN3 protein (p.Pro1697Ser). This variant is present in population databases (rs753334464, gnomAD 0.003%). This variant has not been reported in the literature in individuals affected with FBN3-related conditions. ClinVar contains an entry for this variant (Variation ID: 1502143). An algorithm developed to predict the effect of missense changes on protein structure and function outputs the following: PolyPhen-2: "Benign". The serine amino acid residue is found in multiple mammalian species, which suggests that this missense change does not adversely affect protein function. In summary, the available evidence is currently insufficient to determine the role of this variant in disease. Therefore, it has been classified as a Variant of Uncertain Significance.